The following is an entry in ClinVar:

ClinVar aggregate classification (germline): Uncertain significance. Review status: criteria provided, multiple submitters, no conflicts (2 of 4 stars). 2 submissions from 2 submitters: Uncertain significance (2). Last evaluated 2023-05-26.

Conditions:
LAMA2-related muscular dystrophy (LAMA2-RD). Also called: Laminin alpha 2-related dystrophy. Identifiers: MedGen C5679788, MONDO:0100228.
Inborn genetic diseases. Identifiers: MedGen C0950123, MeSH D030342.

Allele frequency attached by ClinVar (database versions not stated): TOPMed below 0.00001; gnomAD 0.00001; gnomAD exomes 0.00001.
gnomAD v4.1: 12 of 1,611,464 alleles (0.00074%); highest among the groups gnomAD compares: East Asian, 0.0067%; no homozygotes.

Submissions (2):

Ambry Genetics
Classification: Uncertain significance for Inborn genetic diseases. Last evaluated: 2023-05-26. Review status: criteria provided, single submitter. Criteria: Ambry Variant Classification Scheme 2023. Collection method: clinical testing. Allele origin: germline.

Labcorp Genetics (formerly Invitae), Labcorp
Classification: Uncertain significance for LAMA2-related muscular dystrophy. Last evaluated: 2022-04-07. Review status: criteria provided, single submitter. Criteria: Invitae Variant Classification Sherloc (09022015). Collection method: clinical testing. Allele origin: germline.
Comment: This sequence change replaces arginine, which is basic and polar, with cysteine, which is neutral and slightly polar, at codon 2216 of the LAMA2 protein (p.Arg2216Cys). This variant is present in population databases (no rsID available, gnomAD no frequency). This variant has not been reported in the literature in individuals affected with LAMA2-related conditions. Advanced modeling of protein sequence and biophysical properties (such as structural, functional, and spatial information, amino acid conservation, physicochemical variation, residue mobility, and thermodynamic stability) performed at Invitae indicates that this missense variant is not expected to disrupt LAMA2 protein function. In summary, the available evidence is currently insufficient to determine the role of this variant in disease. Therefore, it has been classified as a Variant of Uncertain Significance.

NM_000426.4(LAMA2):c.6646C>T (p.Arg2216Cys)

Gene: LAMA2 (laminin subunit alpha 2; plus strand). Cytogenetic location: 6q22.33.
Variant type: single nucleotide variant.
Coding change: c.6646C>T on transcript NM_000426.4 (MANE Select); coding-DNA position 6646, C replaced by T.
Protein change: p.Arg2216Cys; replaces arginine 2216 with cysteine.
Molecular consequence: missense variant.
Genome position (GRCh38, 1-based): chr6:129,454,227, C>T. VCF-style: chr6-129454227-C-T. GRCh37 (hg19) VCF-style: chr6-129775372-C-T.
Other names: c.6646C>T, p.Arg2216Cys (NM_001079823.2); short protein forms R2216C.
Identifiers: ClinVar variation 1939225 (VCV001939225.4), dbSNP rs929034817, ClinGen allele CA146884293.